The following is an entry in ClinVar:

ClinVar aggregate classification (germline): Likely benign (1 of 4 stars; one submission).

Allele frequency attached by ClinVar (database versions not stated): TOPMed 0.00009; gnomAD 0.00015.

Submission:

CeGaT Center for Human Genetics Tuebingen
Classification: Likely benign. Last evaluated: 2024-01-01. Review status: criteria provided, single submitter. Criteria: CeGaT Center For Human Genetics Tuebingen Variant Classification Criteria Version 2. Collection method: clinical testing. Allele origin: germline. Affected: yes. Observed: 1 variant allele.
Comment: G6PD: BS2

NC_000023.11:g.154518193C>T

Gene: G6PD (glucose-6-phosphate dehydrogenase; minus strand). Cytogenetic location: Xq28.
Variant type: single nucleotide variant.
Genome position: GRCh38 VCF-style: chrX-154518193-C-T. GRCh37 (hg19) VCF-style: chrX-153746517-C-T.
Identifiers: ClinVar variation 3026503 (VCV003026503.22), dbSNP rs782728373, ClinGen allele CA337307922.